The following is an entry in ClinVar:

NM_005215.4(DCC):c.2289C>T (p.Gly763=)

Gene: DCC (DCC netrin 1 receptor; plus strand). Cytogenetic location: 18q21.2.
Variant type: single nucleotide variant.
Coding change: c.2289C>T on transcript NM_005215.4 (MANE Select); coding-DNA position 2289, C replaced by T.
Protein change: p.Gly763=; no amino-acid change (glycine 763 retained).
Molecular consequence: synonymous variant.
Genome position (GRCh38, 1-based): chr18:53,339,837, C>T. VCF-style: chr18-53339837-C-T. GRCh37 (hg19) VCF-style: chr18-50866207-C-T.
Identifiers: ClinVar variation 3051799 (VCV003051799.2), dbSNP rs200732346, ClinGen allele CA8967143.

ClinVar aggregate classification (germline): Likely benign (0 of 4 stars; one submission).

Conditions:
DCC-related disorder. Also called: DCC-related condition.

Allele frequency attached by ClinVar (database versions not stated): TOPMed 0.00002; gnomAD 0.00003; ExAC 0.00004; gnomAD exomes 0.00005; 1000 Genomes Project 0.00040; 1000 Genomes Project 30x 0.00047.
gnomAD v4.1: 70 of 1,613,892 alleles (0.0043%); highest among the groups gnomAD compares: East Asian, 0.089%; no homozygotes.

Submission:

PreventionGenetics, part of Exact Sciences
Classification: Likely benign for DCC-related condition. Last evaluated: 2020-01-17. Review status: no assertion criteria provided. Collection method: clinical testing. Allele origin: germline.
Comment: This variant is classified as likely benign based on ACMG/AMP sequence variant interpretation guidelines (Richards et al. 2015 PMID: 25741868, with internal and published modifications).